The following is an entry in ClinVar:

ClinVar aggregate classification (germline): Uncertain significance (1 of 4 stars; one submission).

gnomAD v4.1: 1 of 1,614,038 alleles (0.000062%); highest among the groups gnomAD compares: South Asian, 0.0011%; no homozygotes.

Submission:

Ambry Genetics
Classification: Uncertain significance. Last evaluated: 2024-08-17. Review status: criteria provided, single submitter. Criteria: Ambry Variant Classification Scheme 2023. Collection method: clinical testing. Allele origin: germline.
Comment: The p.S663R variant (also known as c.1987A>C), located in coding exon 1 of the MLH3 gene, results from an A to C substitution at nucleotide position 1987. The serine at codon 663 is replaced by arginine, an amino acid with dissimilar properties. This amino acid position is conserved. In addition, this alteration is predicted to be tolerated by in silico analysis. Based on the available evidence, the clinical significance of this variant remains unclear.

NM_001040108.2(MLH3):c.1987A>C (p.Ser663Arg)

Gene: MLH3 (mutL homolog 3; minus strand). Cytogenetic location: 14q24.3.
Variant type: single nucleotide variant.
Coding change: c.1987A>C on transcript NM_001040108.2 (MANE Select); coding-DNA position 1987, A replaced by C.
Protein change: p.Ser663Arg; replaces serine 663 with arginine.
Molecular consequence: missense variant.
Genome position (GRCh38, 1-based): chr14:75,047,669, T>G on the plus strand (A>C on the coding strand, the complement: MLH3 is on the minus strand). VCF-style: chr14-75047669-T-G. GRCh37 (hg19) VCF-style: chr14-75514372-T-G.
Other names: c.1987A>C, p.Ser663Arg (NM_014381.3); short protein forms S663R.
Identifiers: ClinVar variation 3396691 (VCV003396691.1).
Genomic context (GRCh38, chr14:75,047,669, plus strand): 5'-GCCCATAACTTATATTCGTTCTGCAATTTTTTTTGTTGGGCAATTGACCAGATTCTTTAC[T>G]TAAAGTGCTGGCTAAATCTTTGATGTCTGGAGTTTCAACTGAATGACGTGTTCTATTTCC-3'
Protein context (NP_001035197.1, residues 653-673): PDIKDLASTL[Ser663Arg]KESGQLPNKK